The following is an entry in ClinVar:

NM_144687.4(NLRP12):c.2089C>A (p.Leu697Met)

Gene: NLRP12 (NLR family pyrin domain containing 12; minus strand). Cytogenetic location: 19q13.42.
Variant type: single nucleotide variant.
Coding change: c.2089C>A on transcript NM_144687.4 (MANE Select); coding-DNA position 2089, C replaced by A.
Protein change: p.Leu697Met; replaces leucine 697 with methionine.
Molecular consequence: missense variant.
Genome position (GRCh38, 1-based): chr19:53,807,649, G>T on the plus strand (C>A on the coding strand, the complement: NLRP12 is on the minus strand). VCF-style: chr19-53807649-G-T. GRCh37 (hg19) VCF-style: chr19-54310903-G-T.
Other names: c.2092C>A, p.Leu698Met (NM_001277126.2); c.2089C>A, p.Leu697Met (NM_001277129.1); short protein forms L697M, L698M.
Identifiers: ClinVar variation 2156360 (VCV002156360.4), dbSNP rs754386212, ClinGen allele CA407411433.
Genomic context (GRCh38, chr19:53,807,649, plus strand): 5'-CTATCAGGTTTGGATTGGTGCACAGGGCCGCTGCCAGATGTTCACTGTAGGCGTCCAGCA[G>T]AACGGTCCTCTCTGGTCTGCTTGAAGGAAAGACAGGCCACTCTCTGGTGTTACTGGTGCT-3'
Protein context (NP_653288.1, residues 687-707): LLVQLPERTV[Leu697Met]LDAYSEHLAA

ClinVar aggregate classification (germline): Uncertain significance (1 of 4 stars; one submission).

Conditions:
Familial cold autoinflammatory syndrome 2 (FCAS2). Identifiers: Orphanet 247868, MedGen C2673198, MONDO:0012724, OMIM 611762.

Submission:

Labcorp Genetics (formerly Invitae), Labcorp
Classification: Uncertain significance for Familial cold autoinflammatory syndrome 2. Last evaluated: 2025-02-27. Review status: criteria provided, single submitter. Criteria: Invitae Variant Classification Sherloc (09022015). Collection method: clinical testing. Allele origin: germline.
Comment: This sequence change replaces leucine, which is neutral and non-polar, with methionine, which is neutral and non-polar, at codon 697 of the NLRP12 protein (p.Leu697Met). This variant is not present in population databases (gnomAD no frequency). This variant has not been reported in the literature in individuals affected with NLRP12-related conditions. ClinVar contains an entry for this variant (Variation ID: 2156360). An algorithm developed to predict the effect of missense changes on protein structure and function (PolyPhen-2) suggests that this variant is likely to be disruptive. In summary, the available evidence is currently insufficient to determine the role of this variant in disease. Therefore, it has been classified as a Variant of Uncertain Significance.